The following is an entry in ClinVar:

ClinVar aggregate classification (germline): Uncertain significance (1 of 4 stars; one submission).

Conditions:
Hereditary spastic paraplegia 30. Identifiers: Orphanet 101010, MedGen C5235139, MONDO:0012476.
Neuropathy, hereditary sensory, type 2C. Also called: KIF1A-Related HSAN2 (HSAN2C); Hereditary sensory and autonomic neuropathy type IIC. Identifiers: Orphanet 970, MedGen C3280168, MONDO:0013634, OMIM 614213.
Intellectual disability, autosomal dominant 9 (NESCAVS). Also called: KIF1A-Related Neurodevelopmental Disorder; NESCAV SYNDROME. Identifiers: Orphanet 662367, MedGen C5393830, MONDO:0013656, OMIM 614255.

gnomAD v4.1: 1 of 1,612,104 alleles (0.000062%); no homozygotes.

Submission:

Labcorp Genetics (formerly Invitae), Labcorp
Classification: Uncertain significance for Hereditary spastic paraplegia 30; Neuropathy, hereditary sensory, type 2C; Intellectual disability, autosomal dominant 9. Last evaluated: 2021-05-18. Review status: criteria provided, single submitter. Criteria: Invitae Variant Classification Sherloc (09022015). Collection method: clinical testing. Allele origin: germline.
Comment: In summary, the available evidence is currently insufficient to determine the role of this variant in disease. Therefore, it has been classified as a Variant of Uncertain Significance. Advanced modeling of protein sequence and biophysical properties (such as structural, functional, and spatial information, amino acid conservation, physicochemical variation, residue mobility, and thermodynamic stability) performed at Invitae indicates that this missense variant is not expected to disrupt KIF1A protein function. This variant has not been reported in the literature in individuals with KIF1A-related conditions. This variant is not present in population databases (ExAC no frequency). This sequence change replaces aspartic acid with glutamic acid at codon 1542 of the KIF1A protein (p.Asp1542Glu). The aspartic acid residue is moderately conserved and there is a small physicochemical difference between aspartic acid and glutamic acid.

NM_001244008.2(KIF1A):c.4929C>A (p.Asp1643Glu)

Gene: KIF1A (kinesin family member 1A; minus strand). Cytogenetic location: 2q37.3.
Variant type: single nucleotide variant.
Coding change: c.4929C>A on transcript NM_001244008.2 (MANE Select); coding-DNA position 4929, C replaced by A.
Protein change: p.Asp1643Glu; replaces aspartic acid 1643 with glutamic acid.
Molecular consequence: missense variant.
Genome position (GRCh38, 1-based): chr2:240,719,866, G>T on the plus strand (C>A on the coding strand, the complement: KIF1A is on the minus strand). VCF-style: chr2-240719866-G-T. GRCh37 (hg19) VCF-style: chr2-241659283-G-T.
Other names: c.4653C>A, p.Asp1551Glu (NM_001320705.2, NM_001379649.1); c.4680C>A, p.Asp1560Glu (NM_001330289.2); c.4728C>A, p.Asp1576Glu (NM_001330290.2, NM_001379648.1); c.5004C>A, p.Asp1668Glu (NM_001379631.1); c.4905C>A, p.Asp1635Glu (NM_001379632.1); c.4902C>A, p.Asp1634Glu (NM_001379633.1, NM_001379645.1); c.4755C>A, p.Asp1585Glu (NM_001379634.1); c.4752C>A, p.Asp1584Glu (NM_001379635.1, NM_001379646.1); and 7 more; short protein forms D1541E, D1560E, D1567E, D1576E, D1584E, D1585E, D1635E, D1668E.
Identifiers: ClinVar variation 1470212 (VCV001470212.8), dbSNP rs2125575164, ClinGen allele CA351300711.